The following is an entry in ClinVar:

NM_000321.3(RB1):c.2659G>A (p.Gly887Arg)

Gene: RB1 (RB transcriptional corepressor 1; plus strand). Cytogenetic location: 13q14.2.
Variant type: single nucleotide variant.
Coding change: c.2659G>A on transcript NM_000321.3 (MANE Select); coding-DNA position 2659, G replaced by A.
Protein change: p.Gly887Arg; replaces glycine 887 with arginine.
Molecular consequence: missense variant.
Genome position (GRCh38, 1-based): chr13:48,476,839, G>A. VCF-style: chr13-48476839-G-A. GRCh37 (hg19) VCF-style: chr13-49050975-G-A.
Other names: short protein forms G887R.
Identifiers: ClinVar variation 941296 (VCV000941296.10), dbSNP rs777789154, ClinGen allele CA036703.
Genomic context (GRCh38, chr13:48,476,839, plus strand): 5'-AACCCTCCTAAACCACTGAAAAAACTACGCTTTGATATTGAAGGATCAGATGAAGCAGAT[G>A]GAAGGTAGGAACCAGTTTTGAATGTTTTCCAGTAGCCGAGATGGTCATCTGGGGAATCCA-3'
Protein context (NP_000312.2, residues 877-897): FDIEGSDEAD[Gly887Arg]SKHLPGESKF

ClinVar aggregate classification (germline): Uncertain significance. Review status: criteria provided, multiple submitters, no conflicts (2 of 4 stars). 2 submissions from 2 submitters: Uncertain significance (2). Last evaluated 2024-12-31.

Conditions:
Hereditary cancer-predisposing syndrome. Also called: Hereditary neoplastic syndrome; Neoplastic Syndromes, Hereditary; Tumor predisposition; Hereditary Cancer Syndrome. Identifiers: Orphanet 140162, MedGen C0027672, MeSH D009386, MONDO:0015356.
Retinoblastoma (RB1). Also called: RETINOBLASTOMA, SOMATIC. Identifiers: Orphanet 790, MedGen C0035335, MeSH D012175, MONDO:0008380, OMIM 180200, HP:0009919. Disease mechanism: loss of function. Inheritance: Both sporadic and heritable forms are tested..

Allele frequency attached by ClinVar (database versions not stated): gnomAD exomes below 0.00001; ExAC 0.00001.
gnomAD v4.1: 2 of 1,613,458 alleles (0.00012%); highest among the groups gnomAD compares: Non-Finnish European, 0.00017%; no homozygotes.

Submissions (2):

Ambry Genetics
Classification: Uncertain significance for Hereditary cancer-predisposing syndrome. Last evaluated: 2024-12-31. Review status: criteria provided, single submitter. Criteria: Ambry Variant Classification Scheme 2023. Collection method: clinical testing. Allele origin: germline.
Comment: The p.G887R variant (also known as c.2659G>A), located in coding exon 25 of the RB1 gene, results from a G to A substitution at nucleotide position 2659. The glycine at codon 887 is replaced by arginine, an amino acid with dissimilar properties. This amino acid position is highly conserved in available vertebrate species. In addition, the in silico prediction for this alteration is inconclusive. Based on the available evidence, the clinical significance of this variant remains unclear.

Labcorp Genetics (formerly Invitae), Labcorp
Classification: Uncertain significance for Retinoblastoma. Last evaluated: 2020-01-11. Review status: criteria provided, single submitter. Criteria: Invitae Variant Classification Sherloc (09022015). Collection method: clinical testing. Allele origin: germline.
Comment: This sequence change replaces glycine with arginine at codon 887 of the RB1 protein (p.Gly887Arg). The glycine residue is highly conserved and there is a moderate physicochemical difference between glycine and arginine. In summary, the available evidence is currently insufficient to determine the role of this variant in disease. Therefore, it has been classified as a Variant of Uncertain Significance. Algorithms developed to predict the effect of missense changes on protein structure and function (SIFT, PolyPhen-2, Align-GVGD) all suggest that this variant is likely to be disruptive, but these predictions have not been confirmed by published functional studies and their clinical significance is uncertain. This variant has not been reported in the literature in individuals with RB1-related conditions. This variant is present in population databases (rs777789154, ExAC 0.001%).